The following is an entry in ClinVar:

ClinVar aggregate classification (germline): Uncertain significance. Review status: criteria provided, multiple submitters, no conflicts (2 of 4 stars). 3 submissions from 3 submitters: Uncertain significance (3). Last evaluated 2026-04-09.

Conditions:
Brugada syndrome. Also called: Sudden unexplained nocturnal death syndrome; Sudden unexpected nocturnal death syndrome; Sudden Unexplained Death Syndrome; Sudden Unexplained Nocturnal Death Syndrome (SUNDS). Identifiers: Orphanet 130, MedGen C1142166, MONDO:0015263.
Cardiovascular phenotype. Identifiers: MedGen CN230736.

Allele frequency attached by ClinVar (database versions not stated): ExAC 0.00002; gnomAD 0.00003; TOPMed 0.00003; gnomAD exomes 0.00003.

Submissions (3):

GeneDx
Classification: Uncertain significance. Last evaluated: 2026-04-09. Review status: criteria provided, single submitter. Criteria: GeneDx Variant Classification Process June 2021. Collection method: clinical testing. Allele origin: germline.
Comment: Has not been previously published as pathogenic or benign to our knowledge; In silico analysis supports that this missense variant has a deleterious effect on protein structure/function

Labcorp Genetics (formerly Invitae), Labcorp
Classification: Uncertain significance for Brugada syndrome. Last evaluated: 2025-12-15. Review status: criteria provided, single submitter. Criteria: Invitae Variant Classification Sherloc (09022015). Collection method: clinical testing. Allele origin: germline.
Comment: This sequence change replaces aspartic acid, which is acidic and polar, with asparagine, which is neutral and polar, at codon 1432 of the SCN10A protein (p.Asp1432Asn). This variant is present in population databases (rs760268052, gnomAD 0.01%). This variant has not been reported in the literature in individuals affected with SCN10A-related conditions. ClinVar contains an entry for this variant (Variation ID: 836934). Invitae Evidence Modeling of protein sequence and biophysical properties (such as structural, functional, and spatial information, amino acid conservation, physicochemical variation, residue mobility, and thermodynamic stability) indicates that this missense variant is not expected to disrupt SCN10A protein function with a negative predictive value of 80%. In summary, the available evidence is currently insufficient to determine the role of this variant in disease. Therefore, it has been classified as a Variant of Uncertain Significance.

Ambry Genetics
Classification: Uncertain significance for Cardiovascular phenotype. Last evaluated: 2025-01-19. Review status: criteria provided, single submitter. Criteria: Ambry Variant Classification Scheme 2023. Collection method: clinical testing. Allele origin: germline.

NM_006514.4(SCN10A):c.4294G>A (p.Asp1432Asn)

Gene: SCN10A (sodium voltage-gated channel alpha subunit 10; minus strand). Cytogenetic location: 3p22.2.
Variant type: single nucleotide variant.
Coding change: c.4294G>A on transcript NM_006514.4 (MANE Select); coding-DNA position 4294, G replaced by A.
Protein change: p.Asp1432Asn; replaces aspartic acid 1432 with asparagine.
Molecular consequence: missense variant.
Genome position (GRCh38, 1-based): chr3:38,707,371, C>T on the plus strand (G>A on the coding strand, the complement: SCN10A is on the minus strand). VCF-style: chr3-38707371-C-T. GRCh37 (hg19) VCF-style: chr3-38748862-C-T.
Other names: c.4291G>A, p.Asp1431Asn (NM_001293306.2); c.4000G>A, p.Asp1334Asn (NM_001293307.2); short protein forms D1334N, D1431N, D1432N.
Identifiers: ClinVar variation 836934 (VCV000836934.12), dbSNP rs760268052, ClinGen allele CA2319940.
Genomic context (GRCh38, chr3:38,707,371, plus strand): 5'-TGGAGCCCAACTTCTTCATGGCATTGTAGTATTTCTTCTGCTCCTCTGTCATGAAGATGT[C>T]CTGGCCCCCTAAGTGCAGAGAGGGCCACACTGTTACTAAAGCAAGAGGAACCCCCTACGG-3'
Protein context (NP_006505.4, residues 1422-1442): NQQKKKLGGQ[Asp1432Asn]IFMTEEQKKY